The following is an entry in ClinVar:

NC_000008.10:g.(?_6264147)_(6303069_6312663)dup

Gene: MCPH1 (microcephalin 1; plus strand). Cytogenetic location: 8p23.1.
Variant type: Duplication.
Identifiers: ClinVar variation 3366812 (VCV003366812.1).

ClinVar aggregate classification (germline): Uncertain significance (1 of 4 stars; one submission).

Submission:

Women's Health and Genetics/Laboratory Corporation of America, LabCorp
Classification: Uncertain significance. Last evaluated: 2024-08-14. Review status: criteria provided, single submitter. Criteria: LabCorp Variant Classification Summary - May 2015. Collection method: clinical testing. Allele origin: germline.
Comment: Variant summary: The variant involves the duplication of exons 1-8 in the MCPH1 gene. A presumed nomenclature of c.(?_-42)_(1825+1_1826-1)dup has been designated for the purposes of this classification. The exact breakpoint at the 5' end of this variant is unknown, therefore this duplication may extend upstream of the annotated region of this gene. It is predicted to duplicate a segment including the initiation codon, therefore its impact on the encoded protein is unknown. The variant allele was found at a frequency of 0.00042 in 462871 control chromosomes (i.e. in 196 alleles) in the gnomAD database (CNVs v4.1 dataset; zygosity not specified in this dataset). The available data on variant occurrences in the general population are insufficient to allow any conclusion about variant significance. The duplication of exons 1-8 in the MCPH1 gene has been reported in the literature in individuals affected with idiopathic autism spectrum disorder (Girirajan_2013), however the variant was inherited from the (presumed) unaffected parents. These report(s) do not provide unequivocal conclusions about association of the variant with Primary microcephaly. The following publication have been ascertained in the context of this evaluation (PMID: 23375656). ClinVar contains an entry for this variant (Variation ID: 2426844). Based on the evidence outlined above, the variant was classified as uncertain significance.

Literature cited by the submitters: PubMed 23375656.